The following is an entry in ClinVar:

ClinVar aggregate classification (germline): Uncertain significance (1 of 4 stars; one submission).

Conditions:
Combined immunodeficiency due to DOCK8 deficiency (HIES2). Also called: Hyper-IgE recurrent infection syndrome, autosomal recessive; HIES autosomal recessive; HYPER-IgE RECURRENT INFECTION SYNDROME 2, AUTOSOMAL RECESSIVE; HYPER-IgE SYNDROME 2, AUTOSOMAL RECESSIVE, WITH RECURRENT INFECTIONS; DOCK8 Deficiency. Identifiers: Orphanet 217390, MedGen C4722305, MONDO:0009478, OMIM 243700.

Submission:

Labcorp Genetics (formerly Invitae), Labcorp
Classification: Uncertain significance for Combined immunodeficiency due to DOCK8 deficiency. Last evaluated: 2024-11-06. Review status: criteria provided, single submitter. Criteria: Invitae Variant Classification Sherloc (09022015). Collection method: clinical testing. Allele origin: germline.
Comment: This sequence change replaces serine, which is neutral and polar, with cysteine, which is neutral and slightly polar, at codon 1456 of the DOCK8 protein (p.Ser1456Cys). This variant is present in population databases (no rsID available, gnomAD 0.0009%). This variant has not been reported in the literature in individuals affected with DOCK8-related conditions. Invitae Evidence Modeling of protein sequence and biophysical properties (such as structural, functional, and spatial information, amino acid conservation, physicochemical variation, residue mobility, and thermodynamic stability) indicates that this missense variant is not expected to disrupt DOCK8 protein function with a negative predictive value of 80%. In summary, the available evidence is currently insufficient to determine the role of this variant in disease. Therefore, it has been classified as a Variant of Uncertain Significance.

NM_203447.4(DOCK8):c.4366A>T (p.Ser1456Cys)

Gene: DOCK8 (dedicator of cytokinesis 8; plus strand). Cytogenetic location: 9p24.3.
Variant type: single nucleotide variant.
Coding change: c.4366A>T on transcript NM_203447.4 (MANE Select); coding-DNA position 4366, A replaced by T.
Protein change: p.Ser1456Cys; replaces serine 1456 with cysteine.
Molecular consequence: missense variant.
Genome position (GRCh38, 1-based): chr9:428,389, A>T. VCF-style: chr9-428389-A-T. GRCh37 (hg19) VCF-style: chr9-428389-A-T.
Other names: c.4066A>T, p.Ser1356Cys (NM_001190458.2); c.4162A>T, p.Ser1388Cys (NM_001193536.2); short protein forms S1356C, S1388C, S1456C.
Identifiers: ClinVar variation 3684989 (VCV003684989.2).